The following is an entry in ClinVar:

ClinVar aggregate classification (germline): Uncertain significance (1 of 4 stars; one submission).

Conditions:
Hypertrophic cardiomyopathy 14. Identifiers: MedGen C2750467, MONDO:0013197, OMIM 613251.

Submission:

Labcorp Genetics (formerly Invitae), Labcorp
Classification: Uncertain significance for Hypertrophic cardiomyopathy 14. Last evaluated: 2023-08-06. Review status: criteria provided, single submitter. Criteria: Invitae Variant Classification Sherloc (09022015). Collection method: clinical testing. Allele origin: unknown.
Comment: This variant results in a copy number gain of the genomic region encompassing exon(s) 3-33 of the MYH6 gene. This region includes the initiator codon of the gene. This copy number gain extends beyond the assayed region for this gene and therefore may encompass additional genes. As the precise location of this event is unknown, it may be in tandem or it may be located elsewhere in the genome. This variant has not been reported in the literature in individuals affected with MYH6-related conditions. In summary, the available evidence is currently insufficient to determine the role of this variant in disease. Therefore, it has been classified as a Variant of Uncertain Significance.

NC_000014.8:g.(?_23855504)_(23876432_?)dup

Genes: MYH6 (myosin heavy chain 6; minus strand), MIR208A (microRNA 208a; minus strand). Cytogenetic location: 14q11.2.
Variant type: Duplication.
Identifiers: ClinVar variation 3244007 (VCV003244007.1).